The following is an entry in ClinVar:

ClinVar aggregate classification (germline): Pathogenic/Likely pathogenic. Review status: criteria provided, multiple submitters, no conflicts (2 of 4 stars). 7 submissions from 7 submitters: Pathogenic (5); Likely pathogenic (1). 1 of the submissions does not count toward it. Last evaluated 2025-11-24.

Conditions:
Mitochondrial DNA depletion syndrome. Also called: mitochondrial DNA depletion. Identifiers: Orphanet 35698, MedGen C0342782, MONDO:0018158.
Inborn genetic diseases. Identifiers: MedGen C0950123, MeSH D030342.
Mitochondrial disease. Also called: Mitochondrial disorder; Mitochondrial disorders. Identifiers: Orphanet 68380, MedGen C0751651, MeSH D028361, MONDO:0044970.
Mitochondrial DNA depletion syndrome, myopathic form (MTDPS2). Also called: MITOCHONDRIAL DNA DEPLETION MYOPATHY, TK2-RELATED; MITOCHONDRIAL DNA DEPLETION SYNDROME 2 (MYOPATHIC TYPE); TK2-Related Mitochondrial DNA Maintenance Defect, Myopathic Form. Identifiers: Orphanet 254875, MedGen C3149750, MONDO:0012301, OMIM 609560.

Submissions (7):

Genomenon, Inc
Classification: Pathogenic for Mitochondrial disease. Last evaluated: 2025-11-24. Review status: criteria provided, single submitter. Criteria: Genomenon Sequence Variant Interpretation Standards - Updated. Collection method: curation. Allele origin: germline. Affected: yes.
Comment: TK2 p.Lys202del (c.604_606del) is an in-frame deletion variant that causes the removal of a single Lysine at residue 202. It is also described as K244del and K171del in the literature. This variant has been observed in multiple probands affected with mitochondrial disease in both the homozygous and compound heterozygous state (34973561, 35286480, 20421844, 29735374, 31060578). TK2 K202del was found to segregate with disease in multiple affected families (29735374, 31060578). This variant is not present at a significant frequency in gnomAD. In conclusion, we classify TK2 p.Lys202del (c.604_606del) as a pathogenic variant.

Labcorp Genetics (formerly Invitae), Labcorp
Classification: Pathogenic. Last evaluated: 2025-01-05. Review status: criteria provided, single submitter. Criteria: Invitae Variant Classification Sherloc (09022015). Collection method: clinical testing. Allele origin: germline.
Comment: This variant, c.604_606del, results in the deletion of 1 amino acid(s) of the TK2 protein (p.Lys202del), but otherwise preserves the integrity of the reading frame. This variant is present in population databases (rs281865501, gnomAD 0.003%). This variant has been observed in individual(s) with clinical features of mitochondrial myopathy (PMID: 12682338, 25948719, 29735374, 31060578). This variant is also known as K244Δ, K171del, and 730_732delAAG. ClinVar contains an entry for this variant (Variation ID: 38995). For these reasons, this variant has been classified as Pathogenic.

Ambry Genetics
Classification: Pathogenic for Inborn genetic diseases. Last evaluated: 2024-07-12. Review status: criteria provided, single submitter. Criteria: Ambry Variant Classification Scheme 2023. Collection method: clinical testing. Allele origin: germline.
Comment: The c.604_606delAAG (p.K202del) alteration is located in exon 8 (coding exon 8) of the TK2 gene. This alteration consists of an in-frame deletion of 3 nucleotides between nucleotide positions c.604 and c.606, resulting in the deletion of a lysine (K) residue at codon 202. Based on data from gnomAD, the c.604_606delAAG allele has an overall frequency of <0.001% (1/251492) total alleles studied. The highest observed frequency was 0.003% (1/34592) of Latino alleles. This variant has been identified in the homozygous state and/or in conjunction with other TK2 variants in individuals with features consistent withTK2-related mitochondrial DNA depletion syndrome (Ceballos, 2024; Morganroth, 2023; Jou, 2019; Dom&iacute;nguez-Gonz&aacute;lez, 2019; Wang, 2018). This amino acid position is not well conserved in available vertebrate species. This alteration is predicted to be deleterious by in silico analysis (Choi, 2012). Based on the available evidence, this alteration is classified as pathogenic.

Laboratorio de Genetica e Diagnostico Molecular, Hospital Israelita Albert Einstein
Classification: Likely pathogenic for Mitochondrial DNA depletion syndrome, myopathic form. Last evaluated: 2022-12-15. Review status: criteria provided, single submitter. Criteria: ACMG Guidelines, 2015. Collection method: clinical testing. Allele origin: germline. Affected: yes. Observed: 1 variant allele.
Comment: ACMG classification criteria: PM2 moderated, PM3 strong, PM4, PP1 supporting, PP4

GeneDx
Classification: Pathogenic. Last evaluated: 2022-12-08. Review status: criteria provided, single submitter. Criteria: GeneDx Variant Classification Process June 2021. Collection method: clinical testing. Allele origin: germline. Affected: yes.
Comment: Not observed at significant frequency in large population cohorts (gnomAD); In-frame deletion of 1 amino acids in a non-repeat region; In silico analysis supports a deleterious effect on protein structure/function; This variant is associated with the following publications: (PMID: 19265691, 25948719, 12682338, 15571232, 20421844, 31060578, 30634555, 32161153, 31589614, 23230576, 29735374, 34973561)

Women's Health and Genetics/Laboratory Corporation of America, LabCorp
Classification: Pathogenic for Mitochondrial DNA depletion syndrome. Last evaluated: 2022-05-11. Review status: criteria provided, single submitter. Criteria: LabCorp Variant Classification Summary - May 2015. Collection method: clinical testing. Allele origin: germline.
Comment: Variant summary: TK2 c.604_606delAAG (p.Lys202del) results in an in-frame deletion that is predicted to remove one amino acid from the Deoxynucleoside kinase domain (IPR031314) of the encoded protein. The variant allele was found at a frequency of 4e-06 in 251492 control chromosomes. c.604_606delAAG has been reported in the literature as homozygous and compound heterozygous genotypes in individuals affected with Mitochondrial DNA Depletion Syndrome - TK2 Related (example, Vila_2003 cited in Villarroya_2009 and Frangini_2009, Camara_2015). These data indicate that the variant is very likely to be associated with disease. At least one publication reports experimental evidence evaluating an impact on protein function (example, Camara_2015). The most pronounced variant effect results in <10% of normal Thymidine kinase 2 (TK2) enzyme activity in fibroblasts from patients with a homozygous genotype. Two clinical diagnostic laboratories have submitted clinical-significance assessments for this variant to ClinVar after 2014 without evidence for independent evaluation. All laboratories classified the variant as pathogenic. Based on the evidence outlined above, the variant was classified as pathogenic.

GeneReviews
No classification provided. Condition: Mitochondrial DNA depletion syndrome, myopathic form. Review status: no classification provided. Collection method: literature only. Allele origin: germline. Not counted in ClinVar's aggregate classification.

Literature cited by the submitters: PubMed 34973561 (cited by Genomenon, Inc); PubMed 35286480 (cited by Genomenon, Inc); PubMed 20421844 (cited by Genomenon, Inc); PubMed 29735374 (cited by 3 submitters); PubMed 31060578 (cited by 3 submitters); PubMed 12682338 (cited by Labcorp Genetics (formerly Invitae), Labcorp and Women's Health and Genetics/Laboratory Corporation of America, LabCorp); PubMed 25948719 (cited by Labcorp Genetics (formerly Invitae), Labcorp and Women's Health and Genetics/Laboratory Corporation of America, LabCorp); PubMed 30634555 (cited by Ambry Genetics); PubMed 37527940 (cited by Ambry Genetics); PubMed 38544965 (cited by Ambry Genetics); PubMed 19154348 (cited by Women's Health and Genetics/Laboratory Corporation of America, LabCorp); PubMed 19265691 (cited by Women's Health and Genetics/Laboratory Corporation of America, LabCorp).

NM_004614.5(TK2):c.604_606del (p.Lys202del)

Gene: TK2 (thymidine kinase 2; minus strand). Cytogenetic location: 16q21.
Variant type: Deletion.
Coding change: c.604_606del on transcript NM_004614.5 (MANE Select); coding-DNA positions 604 to 606, 3 bases deleted (AAG; older notation c.604_606delAAG).
Protein change: p.Lys202del; deletes lysine 202.
Molecular consequence: inframe deletion. On other transcripts: non-coding transcript variant (1), intron variant (1).
Genome position (GRCh38, 1-based): chr16:66,517,148-66,517,150, CTT deleted on the plus strand (AAG on the coding strand, the reverse complement: TK2 is on the minus strand); deleting any 3 consecutive bases within chr16:66,517,148-66,517,152 gives the same sequence; the c. name uses the placement nearest the transcript's 3' end. VCF-style (leftmost placement, unchanged base first): chr16-66517147-CCTT-C. GRCh37 (hg19) VCF-style: chr16-66551050-CCTT-C.
Other names: c.511_513del, p.Lys171del (NM_001172643.1); c.529_531del, p.Lys177del (NM_001172644.2); c.550_552del, p.Lys184del (NM_001172645.2); c.457_459del, p.Lys153del (NM_001271934.2); c.313_315del, p.Lys105del (NM_001272050.2); c.357-3339_357-3337del (NM_001271935.1); c.604_606del (NM_004614.4); short protein forms K202del, K153del, K171del, K177del, K184del, K105del.
Identifiers: ClinVar variation 38995 (VCV000038995.18), dbSNP rs281865501, ClinGen allele CA343316.
Genomic context (GRCh38, chr16:66,517,147, plus strand): 5'-AGAGGTGGTTTCCCAGTTTGTCTTTAACCAAGTCAAAGAGGCCTCTTACCAGCGGAATGA[CCTT>C]CTCCTCTTCCCTGCATCTCTTCTTTAACCTCTGGTAACAAGTCTCAGGATTGGTCCGAAG-3'